The following is an entry in ClinVar:

ClinVar aggregate classification (germline): Uncertain significance. Review status: criteria provided, multiple submitters, no conflicts (2 of 4 stars). 4 submissions from 4 submitters: Uncertain significance (4). Last evaluated 2025-09-28.

Conditions:
Fanconi anemia (FA). Also called: Fanconi's anemia. Identifiers: Orphanet 84, MedGen C0015625, MeSH D005199, MONDO:0019391.
Fanconi anemia complementation group A (FANCA). Also called: Fanconi anemia, group A; FANCA-Related Fanconi Anemia. Identifiers: Orphanet 84, MedGen C3469521, MONDO:0009215, OMIM 227650.

Allele frequency attached by ClinVar (database versions not stated): gnomAD 0.00001; TOPMed 0.00001; ExAC 0.00002; gnomAD exomes 0.00002; ESP Exome Variant Server 0.00008.
gnomAD v4.1: 25 of 1,613,954 alleles (0.0015%); highest among the groups gnomAD compares: Non-Finnish European, 0.0021%; no homozygotes.

Submissions (4):

Labcorp Genetics (formerly Invitae), Labcorp
Classification: Uncertain significance for Fanconi anemia. Last evaluated: 2025-09-28. Review status: criteria provided, single submitter. Criteria: Invitae Variant Classification Sherloc (09022015). Collection method: clinical testing. Allele origin: germline.
Comment: This sequence change replaces alanine, which is neutral and non-polar, with valine, which is neutral and non-polar, at codon 807 of the FANCA protein (p.Ala807Val). This variant is present in population databases (rs144570744, gnomAD 0.004%). This variant has not been reported in the literature in individuals affected with FANCA-related conditions. ClinVar contains an entry for this variant (Variation ID: 1337328). Invitae Evidence Modeling of protein sequence and biophysical properties (such as structural, functional, and spatial information, amino acid conservation, physicochemical variation, residue mobility, and thermodynamic stability) indicates that this missense variant is not expected to disrupt FANCA protein function with a negative predictive value of 95%. In summary, the available evidence is currently insufficient to determine the role of this variant in disease. Therefore, it has been classified as a Variant of Uncertain Significance.

Quest Diagnostics Nichols Institute San Juan Capistrano
Classification: Uncertain significance. Last evaluated: 2025-08-18. Review status: criteria provided, single submitter. Criteria: Quest Diagnostics criteria. Collection method: clinical testing. Allele origin: unknown.
Comment: The FANCA c.2420C>T (p.Ala807Val) variant has been reported in the published literature in individuals with ovarian cancer (PMID: 32546565 (2021)) as well as an unaffected individual (PMID: 35884425 (2022)). The frequency of this variant in the general population (Genome Aggregation Database) is uninformative in the assessment of its pathogenicity. Analysis of this variant using bioinformatics tools for the prediction of the effect of amino acid changes on protein structure and function yielded predictions that this variant is benign. Based on the available information, we are unable to determine the clinical significance of this variant.

Fulgent Genetics
Classification: Uncertain significance for Fanconi anemia complementation group A. Last evaluated: 2024-06-20. Review status: criteria provided, single submitter. Criteria: ACMG Guidelines, 2015. Collection method: clinical testing. Allele origin: germline.

Genetic Services Laboratory, University of Chicago
Classification: Uncertain significance. Last evaluated: 2019-08-15. Review status: criteria provided, single submitter. Criteria: ACMG Guidelines, 2015. Collection method: clinical testing. Allele origin: germline. Affected: no.

Literature cited by the submitters: PubMed 35884425 (cited by Quest Diagnostics Nichols Institute San Juan Capistrano); PubMed 32546565 (cited by Quest Diagnostics Nichols Institute San Juan Capistrano).

NM_000135.4(FANCA):c.2420C>T (p.Ala807Val)

Gene: FANCA (FA complementation group A; minus strand). Cytogenetic location: 16q24.3.
Variant type: single nucleotide variant.
Coding change: c.2420C>T on transcript NM_000135.4 (MANE Select); coding-DNA position 2420, C replaced by T.
Protein change: p.Ala807Val; replaces alanine 807 with valine.
Molecular consequence: missense variant.
Genome position (GRCh38, 1-based): chr16:89,769,921, G>A on the plus strand (C>T on the coding strand, the complement: FANCA is on the minus strand). VCF-style: chr16-89769921-G-A. GRCh37 (hg19) VCF-style: chr16-89836329-G-A.
Other names: c.2420C>T, p.Ala807Val (NM_001286167.3); c.2420C>T (NM_000135.3); short protein forms A807V.
Identifiers: ClinVar variation 1337328 (VCV001337328.12), dbSNP rs144570744, ClinGen allele CA8251731.
Genomic context (GRCh38, chr16:89,769,921, plus strand): 5'-CTCGTCCTACAGGTCAGGAGGCTGTCAAAGAGCGCAGGGACAGGAAGGCCAGCACCAGGT[G>A]CAGGAGGACCCACATCCACCTCTGGGAGCGCAGACCTGGACTCACCCAGGTGCACGGCCA-3'
Protein context (NP_000126.2, residues 797-817): ALPEVDVGPP[Ala807Val]PGAGLPVPAL